The following is an entry in ClinVar:

NM_139027.6(ADAMTS13):c.604T>A (p.Cys202Ser)

Gene: ADAMTS13 (ADAM metallopeptidase with thrombospondin type 1 motif 13; plus strand). Cytogenetic location: 9q34.2.
Variant type: single nucleotide variant.
Coding change: c.604T>A on transcript NM_139027.6 (MANE Select); coding-DNA position 604, T replaced by A.
Protein change: p.Cys202Ser; replaces cysteine 202 with serine.
Molecular consequence: missense variant. On other transcripts: non-coding transcript variant (1).
Genome position (GRCh38, 1-based): chr9:133,426,263, T>A. VCF-style: chr9-133426263-T-A. GRCh37 (hg19) VCF-style: chr9-136291383-T-A.
Other names: c.604T>A, p.Cys202Ser (NM_139025.5, NM_139026.6); short protein forms C202S.
Identifiers: ClinVar variation 2059215 (VCV002059215.4), dbSNP rs2491079416, ClinGen allele CA375383669.
Genomic context (GRCh38, chr9:133,426,263, plus strand): 5'-GACCTGGAGTTGCCTGATGGTAACCGGCAGGTGCGGGGCGTCACCCAGCTGGGCGGTGCC[T>A]GCTCCCCAACCTGGAGCTGCCTCATTACCGAGGACACTGGCTTCGACCTGGGAGTCACCA-3'
Protein context (NP_620596.2, residues 192-212): VRGVTQLGGA[Cys202Ser]SPTWSCLITE

ClinVar aggregate classification (germline): Uncertain significance (1 of 4 stars; one submission).

Submission:

Labcorp Genetics (formerly Invitae), Labcorp
Classification: Uncertain significance. Last evaluated: 2021-12-24. Review status: criteria provided, single submitter. Criteria: Invitae Variant Classification Sherloc (09022015). Collection method: clinical testing. Allele origin: germline.
Comment: Algorithms developed to predict the effect of missense changes on protein structure and function are either unavailable or do not agree on the potential impact of this missense change (SIFT: "Deleterious"; PolyPhen-2: "Probably Damaging"; Align-GVGD: "Class C0"). In summary, the available evidence is currently insufficient to determine the role of this variant in disease. Therefore, it has been classified as a Variant of Uncertain Significance. This variant has not been reported in the literature in individuals affected with ADAMTS13-related conditions. This variant is not present in population databases (gnomAD no frequency). This sequence change replaces cysteine, which is neutral and slightly polar, with serine, which is neutral and polar, at codon 202 of the ADAMTS13 protein (p.Cys202Ser).